The following is an entry in ClinVar:

NM_002133.3(HMOX1):c.135_139del (p.Gly46fs)

Gene: HMOX1 (heme oxygenase 1; plus strand). Cytogenetic location: 22q12.3.
Variant type: Deletion.
Coding change: c.135_139del on transcript NM_002133.3 (MANE Select); coding-DNA positions 135 to 139, 5 bases deleted (CGGCT; older notation c.135_139delCGGCT).
Protein change: p.Gly46fs; shifts the reading frame from glycine 46.
Molecular consequence: frameshift variant.
Genome position (GRCh38, 1-based): chr22:35,383,217-35,383,221, CGGCT deleted. VCF-style (leftmost placement, unchanged base first): chr22-35383216-ACGGCT-A. GRCh37 (hg19) VCF-style: chr22-35779209-ACGGCT-A.
Other names: short protein forms G46fs.
Identifiers: ClinVar variation 2815052 (VCV002815052.3), dbSNP rs2517861689, ClinGen allele CA2739267928.
Genomic context (GRCh38, chr22:35,383,216, plus strand): 5'-ACACCCAGGCAGAGAATGCTGAGTTCATGAGGAACTTTCAGAAGGGCCAGGTGACCCGAG[ACGGCT>A]TCAAGGTATGTGGCTTGGTGGGACTAGCCCTGGTGGAGGGTGTGGCAGGTGTGGGTGGAC-3'

ClinVar aggregate classification (germline): Pathogenic (1 of 4 stars; one submission).

Submission:

Labcorp Genetics (formerly Invitae), Labcorp
Classification: Pathogenic. Last evaluated: 2022-12-10. Review status: criteria provided, single submitter. Criteria: Invitae Variant Classification Sherloc (09022015). Collection method: clinical testing. Allele origin: germline.
Comment: For these reasons, this variant has been classified as Pathogenic. This variant has not been reported in the literature in individuals affected with HMOX1-related conditions. This variant is not present in population databases (gnomAD no frequency). This sequence change creates a premature translational stop signal (p.Gly46Glnfs*19) in the HMOX1 gene. It is expected to result in an absent or disrupted protein product. Loss-of-function variants in HMOX1 are known to be pathogenic (PMID: 9884342, 21088618).

Literature cited by the submitters: PubMed 9884342; PubMed 21088618.